The following is an entry in ClinVar:

ClinVar aggregate classification (germline): Pathogenic. Review status: reviewed by expert panel (3 of 4 stars). 4 submissions from 4 submitters: Pathogenic (1). 3 of the submissions do not count toward it. Last evaluated 2025-03-18.

Conditions:
Autosomal recessive limb-girdle muscular dystrophy type 2B (LGMDR2). Also called: MUSCULAR DYSTROPHY, LIMB-GIRDLE, AUTOSOMAL RECESSIVE 2; Limb-girdle muscular dystrophy, type 2B; MUSCULAR DYSTROPHY, LIMB-GIRDLE, TYPE 3; Limb-Girdle Muscular Dystrophy Type 2B (LGMD2B). Identifiers: Orphanet 268, MedGen C1850889, MONDO:0009676, OMIM 253601.
Autosomal recessive limb-girdle muscular dystrophy. Identifiers: Orphanet 102015, MedGen C2931907, MONDO:0015152.
Neuromuscular disease caused by qualitative or quantitative defects of dysferlin. Also called: Qualitative or quantitative defects of dysferlin; Dysferlinopathy. Identifiers: Orphanet 207073, MedGen C2931687, MONDO:0016145.

Submissions (4):

ClinGen Limb Girdle Muscular Dystrophy Variant Curation Expert Panel, ClinGen
Classification: Pathogenic for Autosomal recessive limb-girdle muscular dystrophy. Last evaluated: 2025-03-18. Review status: reviewed by expert panel. Criteria: ClinGen LGMD VCEP ACMG Specifications DYSF V1.0.0. Collection method: curation. Allele origin: germline. Inheritance: Autosomal recessive inheritance.
Comment: The NM_003494.4: c.2643+5G>A variant in DYSF, which is also known as NM_001130987.2: c.2697+5G>A, occurs in a splice donor motif in intron 25. It is predicted to cause skipping of biologically relevant exon 25/55, resulting in an in-frame deletion of 44 amino acids. Skipping of exon 25 was confirmed by RNAseq (PMID 36983702; PVS1_Moderate_RNA). This variant has been identified in at least one individual with features consistent with LGMD, where it was reported in unknown phase with a pathogenic variant (NM_003494.4: c.3113G>A p.(Arg1038Gln), 0.5 pts, PMID: 33610434, 36983702; PM3_Supporting). This patient displayed progressive weakness and severely reduced or absent dysferlin protein expression, which is highly specific for DYSF-associated LGMD (PP4_Strong, PMID: 36983702). The highest population minor allele frequency is 0.000001695 (2/11800362 alleles) in the European (non-Finnish) population in gnomAD v4.1.0, which is less than the LGMD VCEP threshold (≤0.0001) for PM2_Supporting, meeting this criterion (PM2_Supporting). Another nucleotide change affecting the same splice site and with the same experimentally demonstrated splice effect, NM_003494.4: c.2643+1G>A, is classified as pathogenic for autosomal recessive limb girdle muscular dystrophy by the ClinGen LGMD VCEP (PS1). In summary, this variant meets the criteria to be classified as Pathogenic for autosomal recessive limb girdle muscular dystrophy based on the ACMG/AMP criteria applied, as specified by the ClinGen LGMD VCEP(LGMD VCEP specifications version 1.0.0; 03/18/2025): PVS1_Moderate_RNA, PM3_Supporting, PP4_Strong, PS1, PM2_Supporting.

Jain Foundation
Classification: Likely pathogenic for Dysferlinopathy. Last evaluated: 2023-03-13. Review status: criteria provided, single submitter. Criteria: Rufibach et al. (J Pers Med. 2023). Collection method: research. Allele origin: unknown, not applicable. Inheritance: Autosomal recessive inheritance. Affected: yes. Observed: 1 compound heterozygote. Functional consequence: sequence_variant_affecting_splicing. Not counted in ClinVar's aggregate classification.
Comment: This variant is not present in population databases (gnomAD has no frequency). It has also been identified in one family with dysferlinopathy, segregated with the disease in 2 affected relatives, and was associated with absent dysferlin protein expression (PMID: 36983702). This variant was also found in the heterozygous state in conjunction with another pathogenic DYSF variant (NM_003494.4:c.3113G>A). RNASeq analysis showed that the c.2643+5G>A variant results in the complete skipping of exon 25, which leads to an inframe deletion of 44 amino acids (p.Tyr838_Thr881del; PMID: 36983702). The ACMG classification criteria are: PM2 moderate, PM3 supporting, PM4 moderate, PP1 supporting, PP4 moderate. Based on the above data, this variant has been classified as Likely Pathogenic.

Labcorp Genetics (formerly Invitae), Labcorp
Classification: Uncertain significance for Neuromuscular disease caused by qualitative or quantitative defects of dysferlin. Last evaluated: 2022-02-05. Review status: criteria provided, single submitter. Criteria: Invitae Variant Classification Sherloc (09022015). Collection method: clinical testing. Allele origin: germline. Not counted in ClinVar's aggregate classification.
Comment: This sequence change falls in intron 25 of the DYSF gene. It does not directly change the encoded amino acid sequence of the DYSF protein. It affects a nucleotide within the consensus splice site. This variant is not present in population databases (gnomAD no frequency). This variant has been observed in individual(s) with limb-girdle muscular dystrophy (PMID: 33610434). Variants that disrupt the consensus splice site are a relatively common cause of aberrant splicing (PMID: 17576681, 9536098). Algorithms developed to predict the effect of sequence changes on RNA splicing suggest that this variant may disrupt the consensus splice site. This variant disrupts the c.2643+5 nucleotide in the DYSF gene. Other variant(s) that disrupt this nucleotide have been determined to be pathogenic (PMID: 27647186; Invitae). This suggests that this nucleotide is clinically significant, and that variants that disrupt this position are likely to be disease-causing. In summary, the available evidence is currently insufficient to determine the role of this variant in disease. Therefore, it has been classified as a Variant of Uncertain Significance.

Neuberg Centre For Genomic Medicine, NCGM
Classification: Uncertain significance for Autosomal recessive limb-girdle muscular dystrophy type 2B. Review status: criteria provided, single submitter. Criteria: ACMG Guidelines, 2015. Collection method: clinical testing. Allele origin: germline. Inheritance: Autosomal recessive inheritance. Affected: yes. Not counted in ClinVar's aggregate classification.
Comment: The splice site variant c.2697+5G>A in DYSF gene has not been reported previously as a pathogenic variant nor as a benign variant, to our knowledge. This variant has been reported to the ClinVar database as a variant of Uncertain Significance with no no functional evidence for this variation. The c.2697+5G>A variant is novel (not in any individuals) in gnomAD Exomes and 1000 Genomes. This variant is close to the canonical splice-site, and the position is strongly conserved. The variant is predicted to affect splicing and loss-offunction is a known mechanism of disease. For these reasons, this variant has been classified as Variant of Uncertain Significance .

Literature cited by the submitters: PubMed 33610434 (cited by Labcorp Genetics (formerly Invitae), Labcorp); PubMed 17576681 (cited by Labcorp Genetics (formerly Invitae), Labcorp); PubMed 9536098 (cited by Labcorp Genetics (formerly Invitae), Labcorp); PubMed 27647186 (cited by Labcorp Genetics (formerly Invitae), Labcorp).

NM_001130987.2(DYSF):c.2697+5G>A

Gene: DYSF (dysferlin; plus strand). Cytogenetic location: 2p13.2.
Variant type: single nucleotide variant.
Coding change: c.2697+5G>A on transcript NM_001130987.2 (MANE Select); 5 bases into the intron after coding-DNA position 2697, G replaced by A.
Molecular consequence: intron variant.
Genome position (GRCh38, 1-based): chr2:71,568,087, G>A. VCF-style: chr2-71568087-G-A. GRCh37 (hg19) VCF-style: chr2-71795217-G-A.
Other names: c.2736+5G>A (NM_001130979.2); c.2694+5G>A (NM_001130981.2, NM_001130980.2); c.2643+5G>A (NM_001130978.2, NM_003494.4); c.2601+5G>A (NM_001130977.2, NM_001130976.2); c.2739+5G>A (NM_001130982.2); c.2697+5G>A (NM_001130985.2); c.2646+5G>A (NM_001130983.2, NM_001130455.2); c.2604+5G>A (NM_001130984.2, NM_001130986.2).
Identifiers: ClinVar variation 1350756 (VCV001350756.8), dbSNP rs2092213253, ClinGen allele CA2573135709.
Genomic context (GRCh38, chr2:71,568,087, plus strand): 5'-ATGAGAAGGAGTTCAACCAGTTTGCTGAGGGGAAGCTGTCTGTCTTTGCTGAAACCGTGA[G>A]TACCTGCCAGCCCCCACCTCTGCCTCCCACTACCTGGAGCTGCCTTGGCCCCCTGCTCAC-3'